The following is an entry in ClinVar:

NM_003476.5(CSRP3):c.468del (p.Thr157fs)

Gene: CSRP3 (cysteine and glycine rich protein 3; minus strand). Cytogenetic location: 11p15.1.
Variant type: Deletion.
Coding change: c.468del on transcript NM_003476.5 (MANE Select); coding-DNA position 468, one base deleted (C; older notation c.468delC).
Protein change: p.Thr157fs; shifts the reading frame from threonine 157.
Molecular consequence: frameshift variant.
Genome position (GRCh38, 1-based): chr11:19,184,992, G deleted on the plus strand (C on the coding strand, the reverse complement: CSRP3 is on the minus strand); the first of 2 consecutive G bases (chr11:19,184,992-19,184,993); deleting either gives the same sequence. VCF-style (leftmost placement, unchanged base first): chr11-19184991-TG-T. GRCh37 (hg19) VCF-style: chr11-19206538-TG-T.
Other names: c.299del, p.Pro100fs (NM_001369404.1); short protein forms P100fs, T157fs.
Identifiers: ClinVar variation 1486577 (VCV001486577.6), dbSNP rs2133506845, ClinGen allele CA2573146118.

ClinVar aggregate classification (germline): Uncertain significance (1 of 4 stars; one submission).

Conditions:
Hypertrophic cardiomyopathy 12. Identifiers: MedGen C2677491, MONDO:0012804, OMIM 612124.
Dilated cardiomyopathy 1M (CMD1M). Identifiers: Orphanet 154, MedGen C1843808, MONDO:0011840, OMIM 607482.

Submission:

Labcorp Genetics (formerly Invitae), Labcorp
Classification: Uncertain significance for Hypertrophic cardiomyopathy 12; Dilated cardiomyopathy 1M. Last evaluated: 2021-12-13. Review status: criteria provided, single submitter. Criteria: Invitae Variant Classification Sherloc (09022015). Collection method: clinical testing. Allele origin: germline.
Comment: This sequence change results in a frameshift in the CSRP3 gene (p.Thr157Glnfs*51). While this is not anticipated to result in nonsense mediated decay, it is expected to disrupt the last 38 amino acid(s) of the CSRP3 protein and extend the protein by 12 additional amino acid residues. This variant is not present in population databases (gnomAD no frequency). This variant has not been reported in the literature in individuals affected with CSRP3-related conditions. Experimental studies and prediction algorithms are not available or were not evaluated, and the functional significance of this variant is currently unknown. In summary, the available evidence is currently insufficient to determine the role of this variant in disease. Therefore, it has been classified as a Variant of Uncertain Significance.